The following is an entry in ClinVar:

ClinVar aggregate classification (germline): Uncertain significance (1 of 4 stars; one submission).

Conditions:
Progressive myoclonic epilepsy type 7. Identifiers: Orphanet 435438, MedGen C4015420, MONDO:0014521, OMIM 616187.

Submission:

Labcorp Genetics (formerly Invitae), Labcorp
Classification: Uncertain significance for Progressive myoclonic epilepsy type 7. Last evaluated: 2020-02-12. Review status: criteria provided, single submitter. Criteria: Invitae Variant Classification Sherloc (09022015). Collection method: clinical testing. Allele origin: germline.
Comment: In summary, the available evidence is currently insufficient to determine the role of this variant in disease. Therefore, it has been classified as a Variant of Uncertain Significance. Algorithms developed to predict the effect of missense changes on protein structure and function do not agree on the potential impact of this missense change (SIFT: "Deleterious"; PolyPhen-2: "Possibly Damaging"; Align-GVGD: "Class C0"). This variant has not been reported in the literature in individuals with KCNC1-related disease. This variant is not present in population databases (ExAC no frequency). This sequence change replaces glycine with cysteine at codon 167 of the KCNC1 protein (p.Gly167Cys). The glycine residue is moderately conserved and there is a large physicochemical difference between glycine and cysteine.

NM_001112741.2(KCNC1):c.499G>T (p.Gly167Cys)

Gene: KCNC1 (potassium voltage-gated channel subfamily C member 1; plus strand). Cytogenetic location: 11p15.1.
Variant type: single nucleotide variant.
Coding change: c.499G>T on transcript NM_001112741.2 (MANE Select); coding-DNA position 499, G replaced by T.
Protein change: p.Gly167Cys; replaces glycine 167 with cysteine.
Molecular consequence: missense variant.
Genome position (GRCh38, 1-based): chr11:17,736,501, G>T. VCF-style: chr11-17736501-G-T. GRCh37 (hg19) VCF-style: chr11-17758048-G-T.
Other names: c.499G>T, p.Gly167Cys (NM_004976.4); short protein forms G167C.
Identifiers: ClinVar variation 567985 (VCV000567985.11), dbSNP rs1274575581, ClinGen allele CA379801812.